The following is an entry in ClinVar:

NM_001349206.2(LPIN1):c.958TCT[2] (p.Ser322del)

Gene: LPIN1 (lipin 1; plus strand). Cytogenetic location: 2p25.1.
Variant type: Microsatellite.
Coding change: c.958TCT[2] on transcript NM_001349206.2 (MANE Select); two copies in a row of the 3-base unit TCT starting at c.958; the reference has three copies in a row; one copy, 3 bases deleted.
Protein change: p.Ser322del; deletes serine 322.
Molecular consequence: inframe deletion. On other transcripts: non-coding transcript variant (1).
Genome position (GRCh38, 1-based): chr2:11,782,207-11,782,209, TCT deleted; deleting any 3 consecutive bases within chr2:11,782,201-11,782,209 gives the same sequence; the position shown is the placement nearest the transcript's 3' end. VCF-style (leftmost placement, unchanged base first): chr2-11782200-GTCT-G. GRCh37 (hg19) VCF-style: chr2-11922326-GTCT-G.
Other names: p.Ser286del; c.856_858del (NM_145693.4, NM_145693.2); c.1048TCT[2], p.Ser352del (NM_001349207.2); c.997TCT[2], p.Ser335del (NM_001349208.2); c.850TCT[2], p.Ser286del (NM_145693.4, NM_001349199.2, NM_001349200.2 and 1 more transcripts); c.868TCT[2], p.Ser292del (NM_001261427.3); c.1105TCT[2], p.Ser371del (NM_001261428.3); c.955TCT[2], p.Ser321del (NM_001349202.2, NM_001349203.2); and 1 more; short protein forms S286del, S371del, S335del, S322del, S292del, S321del, S352del.
Identifiers: ClinVar variation 262597 (VCV000262597.25), dbSNP rs149564563, ClinGen allele CA1533568.

ClinVar aggregate classification (germline): Benign. Review status: criteria provided, multiple submitters, no conflicts (2 of 4 stars). 5 submissions from 5 submitters: Benign (5). Last evaluated 2026-02-01.

Conditions:
Myoglobinuria, acute recurrent, autosomal recessive. Also called: MYOGLOBINURIA, FAMILIAL PAROXYSMAL PARALYTIC; RHABDOMYOLYSIS, ACUTE RECURRENT; Myoglobinuria, recurrent, autosomal recessive. Identifiers: Orphanet 99845, MedGen C1849386, MONDO:0009992, OMIM 268200.

Submissions (5):

Labcorp Genetics (formerly Invitae), Labcorp
Classification: Benign. Last evaluated: 2026-02-01. Review status: criteria provided, single submitter. Criteria: Invitae Variant Classification Sherloc (09022015). Collection method: clinical testing. Allele origin: germline.

ARUP Laboratories, Molecular Genetics and Genomics, ARUP Laboratories
Classification: Benign for Myoglobinuria, acute recurrent, autosomal recessive. Last evaluated: 2025-04-17. Review status: criteria provided, single submitter. Criteria: ARUP Molecular Germline Variant Investigation Process 2024. Collection method: clinical testing. Allele origin: germline.

Mayo Clinic Laboratories, Mayo Clinic
Classification: Benign. Last evaluated: 2024-03-21. Review status: criteria provided, single submitter. Criteria: ACMG Guidelines, 2015. Collection method: clinical testing. Allele origin: germline. Observed: 9 variant alleles.

GeneDx
Classification: Benign. Last evaluated: 2018-11-20. Review status: criteria provided, single submitter. Criteria: GeneDx Variant Classification Process June 2021. Collection method: clinical testing. Allele origin: germline. Affected: yes.
Comment: This variant is associated with the following publications: (PMID: 22481384)

PreventionGenetics, part of Exact Sciences
Classification: Benign. Review status: criteria provided, single submitter. Criteria: ACMG Guidelines, 2015. Collection method: clinical testing. Allele origin: germline.